The following is an entry in ClinVar:

NM_001029883.3(PCARE):c.1088A>G (p.Asp363Gly)

Gene: PCARE (photoreceptor cilium actin regulator; minus strand). Cytogenetic location: 2p23.2.
Variant type: single nucleotide variant.
Coding change: c.1088A>G on transcript NM_001029883.3 (MANE Select); coding-DNA position 1088, A replaced by G.
Protein change: p.Asp363Gly; replaces aspartic acid 363 with glycine.
Molecular consequence: missense variant.
Genome position (GRCh38, 1-based): chr2:29,073,174, T>C on the plus strand (A>G on the coding strand, the complement: PCARE is on the minus strand). VCF-style: chr2-29073174-T-C. GRCh37 (hg19) VCF-style: chr2-29296040-T-C.
Other names: short protein forms D363G.
Identifiers: ClinVar variation 1013814 (VCV001013814.6), dbSNP rs769056992, ClinGen allele CA1592499.

ClinVar aggregate classification (germline): Uncertain significance (1 of 4 stars; one submission).

Allele frequency attached by ClinVar (database versions not stated): gnomAD exomes 0.00001 and 0.00002; ExAC 0.00002.

Submission:

Labcorp Genetics (formerly Invitae), Labcorp
Classification: Uncertain significance. Last evaluated: 2022-01-15. Review status: criteria provided, single submitter. Criteria: Invitae Variant Classification Sherloc (09022015). Collection method: clinical testing. Allele origin: germline.
Comment: In summary, the available evidence is currently insufficient to determine the role of this variant in disease. Therefore, it has been classified as a Variant of Uncertain Significance. Algorithms developed to predict the effect of missense changes on protein structure and function are either unavailable or do not agree on the potential impact of this missense change (SIFT: "Deleterious"; PolyPhen-2: "Probably Damaging"; Align-GVGD: "Class C0"). ClinVar contains an entry for this variant (Variation ID: 1013814). This variant has not been reported in the literature in individuals affected with PCARE-related conditions. This variant is present in population databases (rs769056992, gnomAD 0.02%). This sequence change replaces aspartic acid, which is acidic and polar, with glycine, which is neutral and non-polar, at codon 363 of the PCARE protein (p.Asp363Gly).